The following is an entry in ClinVar:

NM_006662.3(SRCAP):c.7625A>G (p.Asn2542Ser)

Gene: SRCAP (Snf2 related CREBBP activator protein; plus strand). Cytogenetic location: 16p11.2.
Variant type: single nucleotide variant.
Coding change: c.7625A>G on transcript NM_006662.3 (MANE Select); coding-DNA position 7625, A replaced by G.
Protein change: p.Asn2542Ser; replaces asparagine 2542 with serine.
Molecular consequence: missense variant.
Genome position (GRCh38, 1-based): chr16:30,737,665, A>G. VCF-style: chr16-30737665-A-G. GRCh37 (hg19) VCF-style: chr16-30748986-A-G.
Other names: short protein forms N2542S.
Identifiers: ClinVar variation 2961838 (VCV002961838.3), dbSNP rs1297079901, ClinGen allele CA395633857.

ClinVar aggregate classification (germline): Uncertain significance (1 of 4 stars; one submission).

Allele frequency attached by ClinVar (database versions not stated): gnomAD exomes below 0.00001; gnomAD 0.00001; TOPMed 0.00002.
gnomAD v4.1: 3 of 1,613,682 alleles (0.00019%); highest among the groups gnomAD compares: African/African-American, 0.004%; no homozygotes.

Submission:

Labcorp Genetics (formerly Invitae), Labcorp
Classification: Uncertain significance. Last evaluated: 2023-02-13. Review status: criteria provided, single submitter. Criteria: Invitae Variant Classification Sherloc (09022015). Collection method: clinical testing. Allele origin: germline.
Comment: This sequence change replaces asparagine, which is neutral and polar, with serine, which is neutral and polar, at codon 2542 of the SRCAP protein (p.Asn2542Ser). This variant is present in population databases (no rsID available, gnomAD 0.007%). This variant has not been reported in the literature in individuals affected with SRCAP-related conditions. Advanced modeling of protein sequence and biophysical properties (such as structural, functional, and spatial information, amino acid conservation, physicochemical variation, residue mobility, and thermodynamic stability) performed at Invitae indicates that this missense variant is not expected to disrupt SRCAP protein function. In summary, the available evidence is currently insufficient to determine the role of this variant in disease. Therefore, it has been classified as a Variant of Uncertain Significance.